The following is an entry in ClinVar:

NM_001322934.2(NFKB2):c.1340A>G (p.Asn447Ser)

Genes: NFKB2 (nuclear factor kappa B subunit 2; plus strand), LOC130004599 (ATAC-STARR-seq lymphoblastoid silent region 2756; plus strand). Cytogenetic location: 10q24.32.
Variant type: single nucleotide variant.
Coding change: c.1340A>G on transcript NM_001322934.2 (MANE Select); coding-DNA position 1340, A replaced by G.
Protein change: p.Asn447Ser; replaces asparagine 447 with serine.
Molecular consequence: missense variant.
Genome position (GRCh38, 1-based): chr10:102,399,589, A>G. VCF-style: chr10-102399589-A-G. GRCh37 (hg19) VCF-style: chr10-104159346-A-G.
Other names: c.1340A>G, p.Asn447Ser (LRG_1347t1, NM_001077494.3, NM_001261403.3 and 2 more transcripts); c.1214A>G, p.Asn405Ser (NM_001322935.1); c.1340A>G (NM_001077494.1); short protein forms N447S, N405S.
Identifiers: ClinVar variation 642159 (VCV000642159.3), dbSNP rs1209220432, ClinGen allele CA377899417.
Genomic context (GRCh38, chr10:102,399,589, plus strand): 5'-GCCGGGGCTGAGGACCTAGCCCTGACCCACGCCCTCTGTGGCCCGTAGCTCGAGAGTACA[A>G]CGCGCGCCTGTTCGGCCTGGCGCAGCGCAGCGCCCGAGCCCTACTCGACTACGGCGTCAC-3'
Protein context (NP_001309863.1, residues 437-457): PEMLQRAREY[Asn447Ser]ARLFGLAQRS

ClinVar aggregate classification (germline): Uncertain significance. Review status: criteria provided, multiple submitters, no conflicts (2 of 4 stars). 2 submissions from 2 submitters: Uncertain significance (2). Last evaluated 2024-05-30.

Conditions:
Inborn genetic diseases. Identifiers: MedGen C0950123, MeSH D030342.
Immunodeficiency, common variable, 10. Also called: IMMUNODEFICIENCY, COMMON VARIABLE, WITH CENTRAL ADRENAL INSUFFICIENCY; DEFICIT IN ANTERIOR PITUITARY FUNCTION AND VARIABLE IMMUNODEFICIENCY. Identifiers: MedGen C3809991, MONDO:0014260, OMIM 615577.

Allele frequency attached by ClinVar (database versions not stated): gnomAD exomes 0.00001 and 0.00004.
gnomAD v4.1: 18 of 1,550,942 alleles (0.0012%); highest among the groups gnomAD compares: South Asian, 0.013%; no homozygotes.

Submissions (2):

Ambry Genetics
Classification: Uncertain significance for Inborn genetic diseases. Last evaluated: 2024-05-30. Review status: criteria provided, single submitter. Criteria: Ambry Variant Classification Scheme 2023. Collection method: clinical testing. Allele origin: germline.

Labcorp Genetics (formerly Invitae), Labcorp
Classification: Uncertain significance for Common variable immunodeficiency 10. Last evaluated: 2019-03-15. Review status: criteria provided, single submitter. Criteria: Invitae Variant Classification Sherloc (09022015). Collection method: clinical testing. Allele origin: germline.
Comment: This sequence change replaces asparagine with serine at codon 447 of the NFKB2 protein (p.Asn447Ser). The asparagine residue is moderately conserved and there is a small physicochemical difference between asparagine and serine. The frequency data for this variant in the population databases is considered unreliable, as metrics indicate insufficient coverage at this position in the ExAC database. This variant has not been reported in the literature in individuals with NFKB2-related disease. Algorithms developed to predict the effect of missense changes on protein structure and function output the following: SIFT: "Tolerated"; PolyPhen-2: "Benign"; Align-GVGD: "Class C0". The serine amino acid residue is found in multiple mammalian species, suggesting that this missense change does not adversely affect protein function. These predictions have not been confirmed by published functional studies and their clinical significance is uncertain. In summary, the available evidence is currently insufficient to determine the role of this variant in disease. Therefore, it has been classified as a Variant of Uncertain Significance.